The following is an entry in ClinVar:

ClinVar aggregate classification (germline): Uncertain significance (1 of 4 stars; one submission).

Conditions:
Neuropathy, hereditary sensory and autonomic, type 2A (HSAN2A). Also called: HSAN IIA; MORVAN DISEASE; NEUROPATHY, CONGENITAL SENSORY; NEUROPATHY, HEREDITARY SENSORY RADICULAR, AUTOSOMAL RECESSIVE; NEUROPATHY, HEREDITARY SENSORY, TYPE IIA; NEUROPATHY, PROGRESSIVE SENSORY, OF CHILDREN. Identifiers: Orphanet 970, MedGen C2752089, MONDO:0024309, OMIM 201300.
Generalized epilepsy with febrile seizures plus, type 7 (GEFSP7). Also called: GEFS+, TYPE 7. Identifiers: Orphanet 36387, MedGen C2751778, MONDO:0013470, OMIM 613863.

Submission:

Labcorp Genetics (formerly Invitae), Labcorp
Classification: Uncertain significance for Neuropathy, hereditary sensory and autonomic, type 2A; Generalized epilepsy with febrile seizures plus, type 7. Last evaluated: 2020-03-02. Review status: criteria provided, single submitter. Criteria: Invitae Variant Classification Sherloc (09022015). Collection method: clinical testing. Allele origin: germline.
Comment: This variant is not present in population databases (ExAC no frequency). This sequence change replaces tyrosine with cysteine at codon 1892 of the SCN9A protein (p.Tyr1892Cys). The tyrosine residue is highly conserved and there is a large physicochemical difference between tyrosine and cysteine. This variant has not been reported in the literature in individuals with SCN9A-related conditions. In summary, the available evidence is currently insufficient to determine the role of this variant in disease. Therefore, it has been classified as a Variant of Uncertain Significance. Algorithms developed to predict the effect of missense changes on protein structure and function (SIFT, PolyPhen-2, Align-GVGD) all suggest that this variant is likely to be disruptive, but these predictions have not been confirmed by published functional studies and their clinical significance is uncertain.

NM_001365536.1(SCN9A):c.5708A>G (p.Tyr1903Cys)

Genes: SCN1A-AS1 (SCN1A and SCN9A antisense RNA 1; plus strand), SCN9A (sodium voltage-gated channel alpha subunit 9; minus strand). Cytogenetic location: 2q24.3.
Variant type: single nucleotide variant.
Coding change: c.5708A>G on transcript NM_001365536.1 (MANE Select); coding-DNA position 5708, A replaced by G.
Protein change: p.Tyr1903Cys; replaces tyrosine 1903 with cysteine.
Molecular consequence: missense variant.
Genome position (GRCh38, 1-based): chr2:166,198,931, T>C on the plus strand (A>G on the coding strand, the complement: SCN9A is on the minus strand). VCF-style: chr2-166198931-T-C. GRCh37 (hg19) VCF-style: chr2-167055441-T-C.
Other names: c.5675A>G, p.Tyr1892Cys (NM_002977.4); short protein forms Y1892C, Y1903C.
Identifiers: ClinVar variation 1004881 (VCV001004881.9), dbSNP rs1693338494, ClinGen allele CA349051676.
Genomic context (GRCh38, chr2:166,198,931, plus strand): 5'-TCTCTGTCTCCATCTTTTATGTATATACTTGATATATTTTTGACATTTTGCCTTAAGCGG[T>C]AACGTCTATAAGCACGCTGAATGACAGTAGCAGACACATCCTCTTGTTTCCGTTTTAGTG-3'
Protein context (NP_001352465.1, residues 1893-1913): ATVIQRAYRR[Tyr1903Cys]RLRQNVKNIS